The following is an entry in ClinVar:

NM_000038.6(APC):c.1048T>C (p.Ser350Pro)

Gene: APC (APC regulator of Wnt signaling pathway; plus strand). Cytogenetic location: 5q22.2.
Variant type: single nucleotide variant.
Coding change: c.1048T>C on transcript NM_000038.6 (MANE Select); coding-DNA position 1048, T replaced by C.
Protein change: p.Ser350Pro; replaces serine 350 with proline.
Molecular consequence: missense variant. On other transcripts: non-coding transcript variant (2), intron variant (15).
Genome position (GRCh38, 1-based): chr5:112,819,080, T>C. VCF-style: chr5-112819080-T-C. GRCh37 (hg19) VCF-style: chr5-112154777-T-C.
Other names: c.1048T>C, p.Ser350Pro (NM_001407449.1, NM_001407450.1, NM_001127510.3 and 4 more transcripts); c.85-189T>C (NM_001407472.1, NM_001407471.1); c.934-189T>C (NM_001407456.1, NM_001407457.1, NM_001407460.1 and 5 more transcripts); c.973T>C, p.Ser325Pro (NM_001407451.1, NM_001354898.2); c.964T>C, p.Ser322Pro (NM_001407452.1, NM_001354899.2); c.871T>C, p.Ser291Pro (NM_001407453.1, NM_001354900.2, NM_001354901.2); c.199T>C, p.Ser67Pro (NM_001407470.1, NM_001354906.2); c.964-189T>C (NM_001354902.2); and 5 more; short protein forms S350P, S67P, S325P, S360P, S291P, S322P, S332P.
Identifiers: ClinVar variation 3928804 (VCV003928804.1).

ClinVar aggregate classification (germline): Uncertain significance (1 of 4 stars; one submission).

Conditions:
Hereditary cancer-predisposing syndrome. Also called: Hereditary Cancer Syndrome; Hereditary neoplastic syndrome; Neoplastic Syndromes, Hereditary; Tumor predisposition. Identifiers: Orphanet 140162, MedGen C0027672, MeSH D009386, MONDO:0015356.

Submission:

Ambry Genetics
Classification: Uncertain significance for Hereditary cancer-predisposing syndrome. Last evaluated: 2025-04-18. Review status: criteria provided, single submitter. Criteria: Ambry Variant Classification Scheme 2023. Collection method: clinical testing. Allele origin: germline.
Comment: The p.S350P variant (also known as c.1048T>C), located in coding exon 9 of the APC gene, results from a T to C substitution at nucleotide position 1048. The serine at codon 350 is replaced by proline, an amino acid with similar properties. This amino acid position is conserved. In addition, in silico predictors for this gene do not accurately predict pathogenicity. Based on the available evidence, the clinical significance of this variant remains unclear.